The following is an entry in ClinVar:

NM_001451.3(FOXF1):c.385G>T (p.Glu129Ter)

Gene: FOXF1 (forkhead box F1; plus strand). Cytogenetic location: 16q24.1.
Variant type: single nucleotide variant.
Coding change: c.385G>T on transcript NM_001451.3 (MANE Select); coding-DNA position 385, G replaced by T.
Protein change: p.Glu129Ter; replaces glutamic acid 129 with a stop codon.
Molecular consequence: nonsense.
Genome position (GRCh38, 1-based): chr16:86,510,954, G>T. VCF-style: chr16-86510954-G-T. GRCh37 (hg19) VCF-style: chr16-86544560-G-T.
Other names: short protein forms E129*.
Identifiers: ClinVar variation 4279919 (VCV004279919.1).

ClinVar aggregate classification (germline): Pathogenic (1 of 4 stars; one submission).

Conditions:
Alveolar capillary dysplasia with pulmonary venous misalignment. Also called: Alveolar capillary dysplasia with misalignment of pulmonary veins; ALVEOLAR CAPILLARY DYSPLASIA WITH MISALIGNMENT OF PULMONARY VEINS AND OTHER CONGENITAL ANOMALIES; Congenital alveolar capillary dysplasia. Identifiers: Orphanet 210122, MedGen C2960310, MONDO:0009934, OMIM 265380.

Submission:

Clinical Genomics Laboratory, Washington University in St. Louis
Classification: Pathogenic for Alveolar capillary dysplasia with pulmonary venous misalignment. Last evaluated: 2025-09-06. Review status: criteria provided, single submitter. Criteria: ACMG Guidelines, 2015. Collection method: clinical testing. Allele origin: germline. Affected: yes.
Comment: The FOXF1 c.385G>T (p.Glu129*) variant, to our knowledge, has not been reported in the medical literature. This variant is absent from the general population (gnomAD v4.1.0), indicating it is not a common variant. This variant causes a premature termination codon, which is predicted to lead to nonsense mediated decay. Based on available information and the ACMG/AMP guidelines for variant interpretation (Richards S et al., PMID: 25741868), this variant is classified as pathogenic.